The following is an entry in ClinVar:

NM_001048174.2(MUTYH):c.1288C>T (p.Leu430=)

Gene: MUTYH (mutY DNA glycosylase; minus strand). Cytogenetic location: 1p34.1.
Variant type: single nucleotide variant.
Coding change: c.1288C>T on transcript NM_001048174.2 (MANE Select); coding-DNA position 1288, C replaced by T.
Protein change: p.Leu430=; no amino-acid change (leucine 430 retained).
Molecular consequence: synonymous variant. On other transcripts: non-coding transcript variant (2).
Genome position (GRCh38, 1-based): chr1:45,331,286, G>A on the plus strand (C>T on the coding strand, the complement: MUTYH is on the minus strand). VCF-style: chr1-45331286-G-A. GRCh37 (hg19) VCF-style: chr1-45796958-G-A.
Other names: c.1288C>T, p.Leu430= (NM_001048171.2, NM_001048173.2, NM_001293195.2); c.1291C>T, p.Leu431= (NM_001048172.2); c.1372C>T, p.Leu458= (NM_001128425.2); c.1333C>T, p.Leu445= (NM_001293190.2); c.1321C>T, p.Leu441= (NM_001293191.2); c.1012C>T, p.Leu338= (NM_001293192.2, NM_001293196.2); c.943C>T, p.Leu315= (NM_001350650.2, NM_001350651.2); c.1363C>T, p.Leu455= (NM_012222.3).
Identifiers: ClinVar variation 514753 (VCV000514753.14), dbSNP rs574350006, ClinGen allele CA21835820.

ClinVar aggregate classification (germline): Likely benign. Review status: criteria provided, multiple submitters, no conflicts (2 of 4 stars). 5 submissions from 5 submitters: Likely benign (5). Last evaluated 2024-10-27.

Conditions:
Hereditary cancer-predisposing syndrome. Also called: Tumor predisposition; Hereditary neoplastic syndrome; Neoplastic Syndromes, Hereditary; Hereditary Cancer Syndrome. Identifiers: Orphanet 140162, MedGen C0027672, MeSH D009386, MONDO:0015356.
Familial adenomatous polyposis 2. Also called: MUTYH Polyposis; COLORECTAL ADENOMATOUS POLYPOSIS, AUTOSOMAL RECESSIVE; ADENOMAS, MULTIPLE COLORECTAL, AUTOSOMAL RECESSIVE; MUTYH-associated polyposis; MUTYH-related attenuated familial adenomatous polyposis; Adenomas, multiple colorectal. Identifiers: Orphanet 220460, Orphanet 247798, MedGen C3272841, MONDO:0012041, OMIM 608456.

Allele frequency attached by ClinVar (database versions not stated): gnomAD exomes below 0.00001 and 0.00001.
gnomAD v4.1: 4 of 1,614,204 alleles (0.00025%); highest among the groups gnomAD compares: South Asian, 0.0022%; no homozygotes.

Submissions (5):

Labcorp Genetics (formerly Invitae), Labcorp
Classification: Likely benign for Familial adenomatous polyposis 2. Last evaluated: 2024-10-27. Review status: criteria provided, single submitter. Criteria: Invitae Variant Classification Sherloc (09022015). Collection method: clinical testing. Allele origin: germline.

Sema4
Classification: Likely benign for Hereditary cancer-predisposing syndrome. Last evaluated: 2022-03-18. Review status: criteria provided, single submitter. Criteria: Sema4 Curation Guidelines. Collection method: curation. Allele origin: germline.

Ambry Genetics
Classification: Likely benign for Hereditary cancer-predisposing syndrome. Last evaluated: 2021-01-25. Review status: criteria provided, single submitter. Criteria: Ambry Variant Classification Scheme 2023. Collection method: clinical testing. Allele origin: germline.

Color Diagnostics, LLC DBA Color Health
Classification: Likely benign for Hereditary cancer-predisposing syndrome. Last evaluated: 2020-03-02. Review status: criteria provided, single submitter. Criteria: ACMG Guidelines, 2015. Collection method: clinical testing. Allele origin: germline.

GeneDx
Classification: Likely benign. Last evaluated: 2018-01-15. Review status: criteria provided, single submitter. Criteria: GeneDx Variant Classification (06012015). Collection method: clinical testing. Allele origin: germline. Affected: yes.
Comment: This variant is considered likely benign or benign based on one or more of the following criteria: it is a conservative change, it occurs at a poorly conserved position in the protein, it is predicted to be benign by multiple in silico algorithms, and/or has population frequency not consistent with disease.